The following is an entry in ClinVar:

ClinVar aggregate classification (germline): Likely benign (1 of 4 stars; one submission).

Allele frequency attached by ClinVar (database versions not stated): 1000 Genomes Project 30x 0.00187; 1000 Genomes Project 0.00220; gnomAD 0.00404; ESP Exome Variant Server 0.00431; ExAC 0.00434; TOPMed 0.00462; gnomAD exomes 0.00623.
gnomAD v4.1: 9,730 of 1,614,102 alleles (0.6%); highest among the groups gnomAD compares: Non-Finnish European, 0.74%; 40 homozygotes.

Submission:

CeGaT Center for Human Genetics Tuebingen
Classification: Likely benign. Last evaluated: 2023-10-01. Review status: criteria provided, single submitter. Criteria: CeGaT Center For Human Genetics Tuebingen Variant Classification Criteria Version 2. Collection method: clinical testing. Allele origin: germline. Affected: yes. Observed: 1 variant allele.
Comment: CTSL: BP4, BS2

NM_001912.5(CTSL):c.5A>C (p.Asn2Thr)

Gene: CTSL (cathepsin L; plus strand). Cytogenetic location: 9q21.33.
Variant type: single nucleotide variant.
Coding change: c.5A>C on transcript NM_001912.5 (MANE Select); coding-DNA position 5, A replaced by C.
Protein change: p.Asn2Thr; replaces asparagine 2 with threonine.
Molecular consequence: missense variant. On other transcripts: 5 prime UTR variant (1), intron variant (1).
Genome position (GRCh38, 1-based): chr9:87,727,608, A>C. VCF-style: chr9-87727608-A-C. GRCh37 (hg19) VCF-style: chr9-90342523-A-C.
Other names: c.5A>C, p.Asn2Thr (NM_001257971.2, NM_001257972.2, NM_001382757.1 and 4 more transcripts); c.-112A>C (NM_001257973.2); c.-32-426A>C (NM_001382758.1); short protein forms N2T.
Identifiers: ClinVar variation 2659292 (VCV002659292.24), dbSNP rs112682750, ClinGen allele CA5110926.